The following is an entry in ClinVar:

NM_001085458.2(CTNND1):c.916C>G (p.Arg306Gly)

Genes: CTNND1 (catenin delta 1; plus strand), TMX2-CTNND1 (TMX2-CTNND1 readthrough (NMD candidate); plus strand). Cytogenetic location: 11q12.1.
Variant type: single nucleotide variant.
Coding change: c.916C>G on transcript NM_001085458.2 (MANE Select); coding-DNA position 916, C replaced by G.
Protein change: p.Arg306Gly; replaces arginine 306 with glycine.
Molecular consequence: missense variant. On other transcripts: non-coding transcript variant (1).
Genome position (GRCh38, 1-based): chr11:57,796,952, C>G. VCF-style: chr11-57796952-C-G. GRCh37 (hg19) VCF-style: chr11-57564424-C-G.
Other names: c.916C>G (NM_001085458.1); c.916C>G, p.Arg306Gly (NM_001085459.2, NM_001085460.2, NM_001085461.2 and 3 more transcripts); c.613C>G, p.Arg205Gly (NM_001085463.2, NM_001085464.2, NM_001085465.2 and 5 more transcripts); c.754C>G, p.Arg252Gly (NM_001206883.2, NM_001206884.2, NM_001206886.2 and 4 more transcripts); short protein forms R205G, R252G, R306G.
Identifiers: ClinVar variation 2506698 (VCV002506698.2), dbSNP rs748440586, ClinGen allele CA380724840.

ClinVar aggregate classification (germline): Uncertain significance. Review status: criteria provided, multiple submitters, no conflicts (2 of 4 stars). 2 submissions from 2 submitters: Uncertain significance (2). Last evaluated 2026-07-20.

Conditions:
Inborn genetic diseases. Identifiers: MedGen C0950123, MeSH D030342.

Submissions (2):

Ambry Genetics
Classification: Uncertain significance for Inborn genetic diseases. Last evaluated: 2026-07-20. Review status: criteria provided, single submitter. Criteria: Ambry Variant Classification Scheme 2023. Collection method: clinical testing. Allele origin: germline.

GeneDx
Classification: Uncertain significance. Last evaluated: 2022-12-21. Review status: criteria provided, single submitter. Criteria: GeneDx Variant Classification Process June 2021. Collection method: clinical testing. Allele origin: germline. Affected: yes.
Comment: Not observed at significant frequency in large population cohorts (gnomAD); In silico analysis supports that this missense variant does not alter protein structure/function; Has not been previously published as pathogenic or benign to our knowledge